The following is an entry in ClinVar:

ClinVar aggregate classification (germline): Uncertain significance (1 of 4 stars; one submission).

Conditions:
Retinitis pigmentosa 73 (RP73). Identifiers: Orphanet 791, MedGen C4225287, MONDO:0014687, OMIM 616544.
Mucopolysaccharidosis, MPS-III-C (MPS3C). Also called: SANFILIPPO SYNDROME C; MPS III C; Mucopolysaccharidosis type IIIC (Sanfilippo C); MUCOPOLYSACCHARIDOSIS, TYPE IIIC; mucopolysaccharidosis type 3C; MPS IIIC (Sanfilippo Syndrome Type C). Identifiers: Orphanet 581, Orphanet 79271, MedGen C0086649, MONDO:0009657, OMIM 252930.

gnomAD v4.1: 2 of 1,613,684 alleles (0.00012%); highest among the groups gnomAD compares: Non-Finnish European, 0.00017%; no homozygotes.

Submission:

Labcorp Genetics (formerly Invitae), Labcorp
Classification: Uncertain significance for Retinitis pigmentosa 73; Mucopolysaccharidosis, MPS-III-C. Last evaluated: 2025-03-17. Review status: criteria provided, single submitter. Criteria: Invitae Variant Classification Sherloc (09022015). Collection method: clinical testing. Allele origin: germline.
Comment: This sequence change replaces asparagine, which is neutral and polar, with threonine, which is neutral and polar, at codon 478 of the HGSNAT protein (p.Asn478Thr). This variant is present in population databases (rs148467283, gnomAD 0.0009%). This variant has not been reported in the literature in individuals affected with HGSNAT-related conditions. ClinVar contains an entry for this variant (Variation ID: 2932305). Invitae Evidence Modeling of protein sequence and biophysical properties (such as structural, functional, and spatial information, amino acid conservation, physicochemical variation, residue mobility, and thermodynamic stability) indicates that this missense variant is not expected to disrupt HGSNAT protein function with a negative predictive value of 95%. In summary, the available evidence is currently insufficient to determine the role of this variant in disease. Therefore, it has been classified as a Variant of Uncertain Significance.

NM_152419.3(HGSNAT):c.1433A>C (p.Asn478Thr)

Gene: HGSNAT (heparan-alpha-glucosaminide N-acetyltransferase; plus strand). Cytogenetic location: 8p11.21.
Variant type: single nucleotide variant.
Coding change: c.1433A>C on transcript NM_152419.3 (MANE Select); coding-DNA position 1433, A replaced by C.
Protein change: p.Asn478Thr; replaces asparagine 478 with threonine.
Molecular consequence: missense variant.
Genome position (GRCh38, 1-based): chr8:43,193,812, A>C. VCF-style: chr8-43193812-A-C. GRCh37 (hg19) VCF-style: chr8-43048955-A-C.
Other names: c.1433A>C, p.Asn478Thr (NM_001363227.2); c.1241A>C, p.Asn414Thr (NM_001363228.2); c.569A>C, p.Asn190Thr (NM_001363229.2); short protein forms N190T, N414T, N478T.
Identifiers: ClinVar variation 2932305 (VCV002932305.3), dbSNP rs148467283, ClinGen allele CA4736874.